The following is an entry in ClinVar:

NM_014991.6(WDFY3):c.3155T>C (p.Leu1052Pro)

Gene: WDFY3 (WD repeat and FYVE domain containing 3; minus strand). Cytogenetic location: 4q21.23.
Variant type: single nucleotide variant.
Coding change: c.3155T>C on transcript NM_014991.6 (MANE Select); coding-DNA position 3155, T replaced by C.
Protein change: p.Leu1052Pro; replaces leucine 1052 with proline.
Molecular consequence: missense variant.
Genome position (GRCh38, 1-based): chr4:84,796,533, A>G on the plus strand (T>C on the coding strand, the complement: WDFY3 is on the minus strand). VCF-style: chr4-84796533-A-G. GRCh37 (hg19) VCF-style: chr4-85717686-A-G.
Other names: short protein forms L1052P.
Identifiers: ClinVar variation 1712568 (VCV001712568.2), dbSNP rs2533791748, ClinGen allele CA357561323.

ClinVar aggregate classification (germline): Uncertain significance (1 of 4 stars; one submission).

Submission:

GeneDx
Classification: Uncertain significance. Last evaluated: 2022-04-29. Review status: criteria provided, single submitter. Criteria: GeneDx Variant Classification Process June 2021. Collection method: clinical testing. Allele origin: germline. Affected: yes.
Comment: Not observed at significant frequency in large population cohorts (gnomAD); In silico analysis supports that this missense variant does not alter protein structure/function; Has not been previously published as pathogenic or benign to our knowledge